The following is an entry in ClinVar:

NM_000256.3(MYBPC3):c.2557G>A (p.Gly853Ser)

Gene: MYBPC3 (myosin binding protein C3; minus strand). Cytogenetic location: 11p11.2.
Variant type: single nucleotide variant.
Coding change: c.2557G>A on transcript NM_000256.3 (MANE Select); coding-DNA position 2557, G replaced by A.
Protein change: p.Gly853Ser; replaces glycine 853 with serine.
Molecular consequence: missense variant.
Genome position (GRCh38, 1-based): chr11:47,337,436, C>T on the plus strand (G>A on the coding strand, the complement: MYBPC3 is on the minus strand). VCF-style: chr11-47337436-C-T. GRCh37 (hg19) VCF-style: chr11-47358987-C-T.
Other names: short protein forms G853S.
Identifiers: ClinVar variation 42640 (VCV000042640.13), dbSNP rs397515976, ClinGen allele CA012636.

ClinVar aggregate classification (germline): Uncertain significance. Review status: criteria provided, multiple submitters, no conflicts (2 of 4 stars). 3 submissions from 3 submitters: Uncertain significance (3). Last evaluated 2025-06-27.

Conditions:
Hypertrophic cardiomyopathy. Also called: HYPERTROPHIC MYOCARDIOPATHY. Identifiers: Orphanet 217569, MedGen C0007194, MeSH D002312, MONDO:0005045, HP:0001639.

Allele frequency attached by ClinVar (database versions not stated): gnomAD 0.00001; TOPMed 0.00001.
gnomAD v4.1: 7 of 1,610,532 alleles (0.00043%); highest among the groups gnomAD compares: Admixed American, 0.0083%; no homozygotes.

Submissions (3):

Labcorp Genetics (formerly Invitae), Labcorp
Classification: Uncertain significance for Hypertrophic cardiomyopathy. Last evaluated: 2025-06-27. Review status: criteria provided, single submitter. Criteria: Invitae Variant Classification Sherloc (09022015). Collection method: clinical testing. Allele origin: germline.
Comment: This sequence change replaces glycine, which is neutral and non-polar, with serine, which is neutral and polar, at codon 853 of the MYBPC3 protein (p.Gly853Ser). This variant is present in population databases (rs397515976, gnomAD 0.01%). This missense change has been observed in individual(s) with hypertrophic cardiomyopathy (PMID: 25611685, 27532257, 37652022). ClinVar contains an entry for this variant (Variation ID: 42640). An algorithm developed to predict the effect of missense changes on protein structure and function (PolyPhen-2) suggests that this variant is likely to be disruptive. In summary, the available evidence is currently insufficient to determine the role of this variant in disease. Therefore, it has been classified as a Variant of Uncertain Significance.

All of Us Research Program, National Institutes of Health
Classification: Uncertain significance for Hypertrophic cardiomyopathy. Last evaluated: 2024-07-20. Review status: criteria provided, single submitter. Criteria: ACMG Guidelines, 2015. Collection method: clinical testing. Allele origin: germline. Inheritance: Autosomal dominant inheritance. Observed: 3 variant alleles, 3 heterozygotes.
Comment: This missense variant replaces glycine with serine at codon 853 of the MYBPC3 protein. Computational prediction is inconclusive regarding the impact of this variant on protein structure and function (internally defined REVEL score threshold 0.5 < inconclusive < 0.7, PMID: 27666373). To our knowledge, functional studies have not been reported for this variant. This variant has been reported in an individual affected with hypertrophic cardiomyopathy (PMID: 25611685, 27532257). This variant has been identified in 4/245572 chromosomes in the general population by the Genome Aggregation Database (gnomAD). The available evidence is insufficient to determine the role of this variant in disease conclusively. Therefore, this variant is classified as a Variant of Uncertain Significance.

This study involves interpretation of variants in research participants for the purpose of population health screening. Participant phenotype was not available at the time of variant classification. Additional details can be found in publication PMID: 35346344, PMCID: PMC8962531

Laboratory for Molecular Medicine, Mass General Brigham Personalized Medicine
Classification: Uncertain significance. Last evaluated: 2012-05-04. Review status: criteria provided, single submitter. Criteria: LMM Criteria. Collection method: clinical testing. Allele origin: germline. Observed: 1 variant allele.
Comment: The Gly853Ser variant in MYBPC3 has not been reported in the literature nor prev iously identified by our laboratory. This variant has not been identified in a v ery large and broad population by the NHLBI Exome Sequencing Project (.). This low frequency is consistent with a disease causing role but insufficient to establish this with confidence. Glycine (Gly) at posit ion 853 is highly conserved in evolution, suggesting that a change would not be tolerated. Other computational analyses (biochemical amino acid properties, Alig nGVGD, PolyPhen2, and SIFT) do not provide strong support for or against an impa ct to the protein. Additional information is needed to fully assess the clinical significance of the Gly853Ser variant.

Literature cited by the submitters: PubMed 25611685 (cited by Labcorp Genetics (formerly Invitae), Labcorp and All of Us Research Program, National Institutes of Health); PubMed 27532257 (cited by Labcorp Genetics (formerly Invitae), Labcorp and All of Us Research Program, National Institutes of Health); PubMed 37652022 (cited by Labcorp Genetics (formerly Invitae), Labcorp).